The following is an entry in ClinVar:

NM_004733.4(SLC33A1):c.625A>G (p.Asn209Asp)

Gene: SLC33A1 (solute carrier family 33 member 1; minus strand). Cytogenetic location: 3q25.31.
Variant type: single nucleotide variant.
Coding change: c.625A>G on transcript NM_004733.4 (MANE Select); coding-DNA position 625, A replaced by G.
Protein change: p.Asn209Asp; replaces asparagine 209 with aspartic acid.
Molecular consequence: missense variant.
Genome position (GRCh38, 1-based): chr3:155,853,373, T>C on the plus strand (A>G on the coding strand, the complement: SLC33A1 is on the minus strand). VCF-style: chr3-155853373-T-C. GRCh37 (hg19) VCF-style: chr3-155571162-T-C.
Other names: c.625A>G, p.Asn209Asp (NM_001190992.2, NM_001363883.1); short protein forms N209D.
Identifiers: ClinVar variation 2663129 (VCV002663129.1), dbSNP rs2473016527, ClinGen allele CA355143204.

ClinVar aggregate classification (germline): Uncertain significance (1 of 4 stars; one submission).

Submission:

GeneDx
Classification: Uncertain significance. Last evaluated: 2023-05-10. Review status: criteria provided, single submitter. Criteria: GeneDx Variant Classification Process June 2021. Collection method: clinical testing. Allele origin: germline. Affected: yes.
Comment: Not observed at significant frequency in large population cohorts (gnomAD); In silico analysis supports that this missense variant has a deleterious effect on protein structure/function; Has not been previously published as pathogenic or benign to our knowledge